The following is an entry in ClinVar:

NM_001330700.2(TOP2B):c.4826_4829dup (p.Phe1610fs)

Gene: TOP2B (DNA topoisomerase II beta; minus strand). Cytogenetic location: 3p24.2.
Variant type: Duplication.
Coding change: c.4826_4829dup on transcript NM_001330700.2 (MANE Select); coding-DNA positions 4826 to 4829, 4 bases duplicated (ATTT; older notation c.4826_4829dupATTT).
Protein change: p.Phe1610fs; shifts the reading frame from phenylalanine 1610.
Molecular consequence: frameshift variant.
Genome position (GRCh38, 1-based): chr3:25,598,359-25,598,362, AAAT duplicated on the plus strand (ATTT on the coding strand, the reverse complement: TOP2B is on the minus strand); duplicating any 4 consecutive bases within chr3:25,598,359-25,598,363 gives the same sequence; the c. name uses the placement nearest the transcript's 3' end. VCF-style (leftmost placement, unchanged base first): chr3-25598358-A-AAAAT. GRCh37 (hg19) VCF-style: chr3-25639849-A-AAAAT.
Other names: c.4811_4814dup, p.Phe1605fs (NM_001068.3); short protein forms F1605fs, F1610fs.
Identifiers: ClinVar variation 2765762 (VCV002765762.3), dbSNP rs2529843588, ClinGen allele CA2697550721.

ClinVar aggregate classification (germline): Uncertain significance (1 of 4 stars; one submission).

Submission:

Labcorp Genetics (formerly Invitae), Labcorp
Classification: Uncertain significance. Last evaluated: 2024-04-08. Review status: criteria provided, single submitter. Criteria: Invitae Variant Classification Sherloc (09022015). Collection method: clinical testing. Allele origin: germline.
Comment: This sequence change creates a premature translational stop signal (p.Phe1605Leufs*6) in the TOP2B gene. While this is not anticipated to result in nonsense mediated decay, it is expected to disrupt the last 17 amino acid(s) of the TOP2B protein. This variant is not present in population databases (gnomAD no frequency). This variant has not been reported in the literature in individuals affected with TOP2B-related conditions. Experimental studies and prediction algorithms are not available or were not evaluated, and the functional significance of this variant is currently unknown. Algorithms developed to predict the effect of sequence changes on RNA splicing suggest that this variant may disrupt the consensus splice site. In summary, the available evidence is currently insufficient to determine the role of this variant in disease. Therefore, it has been classified as a Variant of Uncertain Significance.